The following is an entry in ClinVar:

NM_001199107.2(TBC1D24):c.373T>C (p.Phe125Leu)

Gene: TBC1D24 (TBC1 domain family member 24; plus strand). Cytogenetic location: 16p13.3.
Variant type: single nucleotide variant.
Coding change: c.373T>C on transcript NM_001199107.2 (MANE Select); coding-DNA position 373, T replaced by C.
Protein change: p.Phe125Leu; replaces phenylalanine 125 with leucine.
Molecular consequence: missense variant.
Genome position (GRCh38, 1-based): chr16:2,496,521, T>C. VCF-style: chr16-2496521-T-C. GRCh37 (hg19) VCF-style: chr16-2546522-T-C.
Other names: c.373T>C, p.Phe125Leu (NM_020705.3); short protein forms F125L.
Identifiers: ClinVar variation 568347 (VCV000568347.9), dbSNP rs1567411503, ClinGen allele CA394375711.

ClinVar aggregate classification (germline): Uncertain significance (1 of 4 stars; one submission).

Conditions:
Autosomal dominant nonsyndromic hearing loss 65. Also called: Deafness, autosomal dominant 65; TBC1D24-Related Autosomal Dominant Nonsyndromic Hearing Loss (DFNA). Identifiers: Orphanet 90635, MedGen C3892048, MONDO:0014470, OMIM 616044.
Developmental and epileptic encephalopathy, 1 (DEE1). Also called: Epileptic encephalopathy, early infantile, 1; X-linked infantile spasms; West's syndrome; Tonic spasms with clustering, arrest of psychomotor development and hypsarrhythmia on EEG; X-Linked Infantile Spasm Syndrome; OHTAHARA SYNDROME, X-LINKED. Identifiers: MedGen C3463992, MONDO:0010632, OMIM 308350. Disease mechanism: loss of function.

Submission:

Labcorp Genetics (formerly Invitae), Labcorp
Classification: Uncertain significance for Developmental and epileptic encephalopathy, 1; Autosomal dominant nonsyndromic hearing loss 65. Last evaluated: 2020-02-11. Review status: criteria provided, single submitter. Criteria: Invitae Variant Classification Sherloc (09022015). Collection method: clinical testing. Allele origin: germline.
Comment: In summary, the available evidence is currently insufficient to determine the role of this variant in disease. Therefore, it has been classified as a Variant of Uncertain Significance. Algorithms developed to predict the effect of missense changes on protein structure and function (SIFT, PolyPhen-2, Align-GVGD) all suggest that this variant is likely to be tolerated, but these predictions have not been confirmed by published functional studies and their clinical significance is uncertain. This variant has not been reported in the literature in individuals with TBC1D24-related conditions. ClinVar contains an entry for this variant (Variation ID: 568347). This variant is not present in population databases (ExAC no frequency). This sequence change replaces phenylalanine with leucine at codon 125 of the TBC1D24 protein (p.Phe125Leu). The phenylalanine residue is highly conserved and there is a small physicochemical difference between phenylalanine and leucine.